The following is an entry in ClinVar:

NM_007294.4(BRCA1):c.5335del (p.Gln1779fs)

Gene: BRCA1 (BRCA1 DNA repair associated; minus strand). Cytogenetic location: 17q21.31.
Variant type: Deletion.
Coding change: c.5335del on transcript NM_007294.4 (MANE Select); coding-DNA position 5335, one base deleted (C; older notation c.5335delC).
Protein change: p.Gln1779fs; shifts the reading frame from glutamine 1779.
Molecular consequence: frameshift variant. On other transcripts: non-coding transcript variant (1), intron variant (1).
Genome position (GRCh38, 1-based): chr17:43,049,192, G deleted on the plus strand (C on the coding strand, the reverse complement: BRCA1 is on the minus strand). VCF-style (leftmost placement, unchanged base first): chr17-43049191-TG-T. GRCh37 (hg19) VCF-style: chr17-41201208-TG-T.
Other names: 5454delC; c.5188delC, p.Gln1730Asnfs (NM_001407850.1, NM_001407851.1, NM_001407852.1 and 12 more transcripts); c.5134delC, p.Gln1712Asnfs (NM_001407862.1); c.5131delC, p.Gln1711Asnfs (NM_001407863.1); c.5128delC, p.Gln1710Asnfs (NM_001407874.1, NM_001407875.1); c.5125delC, p.Gln1709Asnfs (NM_001407879.1, NM_001407881.1, NM_001407882.1 and 5 more transcripts); c.5122delC, p.Gln1708Asnfs (NM_001407894.1, NM_001407895.1, NM_001407896.1 and 12 more transcripts); c.5119delC, p.Gln1707Asnfs (NM_001407915.1, NM_001407916.1, NM_001407917.1 and 1 more transcripts); and 78 more; short protein forms Q1732fs, Q1800fs, Q675fs, Q1779fs.
Identifiers: ClinVar variation 37657 (VCV000037657.36), dbSNP rs80357590, ClinGen allele CA003507.

ClinVar aggregate classification (germline): Pathogenic. Review status: reviewed by expert panel (3 of 4 stars). 20 submissions from 20 submitters: Pathogenic (1). 19 of the submissions do not count toward it. Last evaluated 2016-09-08.

Conditions:
BRCA1-related disorder. Also called: BRCA1-related condition.
Hereditary cancer-predisposing syndrome. Also called: Neoplastic Syndromes, Hereditary; Tumor predisposition; Hereditary Cancer Syndrome; Hereditary neoplastic syndrome. Identifiers: Orphanet 140162, MedGen C0027672, MeSH D009386, MONDO:0015356.
Hereditary breast ovarian cancer syndrome. Also called: Hereditary breast and ovarian cancer; Breast and ovarian cancer; Hereditary breast and/or ovarian cancer syndrome; Hereditary breast and ovarian cancer syndrome (HBOC); Hereditary breast and ovarian cancer syndrome; BRCA1- and BRCA2-Associated Hereditary Breast and Ovarian Cancer. Identifiers: Orphanet 145, MedGen C0677776, MeSH D061325, MONDO:0003582. Disease mechanism: loss of function.
Breast-ovarian cancer, familial, susceptibility to, 1 (BROVCA1). Also called: OVARIAN CANCER, SUSCEPTIBILITY TO; BRCA1 Hereditary Breast and Ovarian Cancer. Identifiers: Orphanet 145, MedGen C2676676, MONDO:0011450, OMIM 604370. Disease mechanism: loss of function.
Malignant tumor of breast. Also called: Malignant breast neoplasm; Cancer breast. Identifiers: MedGen C0006142, MONDO:0007254. Disease mechanism: loss of function.

Allele frequency attached by ClinVar (database versions not stated): gnomAD exomes below 0.00001; TOPMed below 0.00001; ExAC 0.00001.

Submissions 1 to 11 of 20:

Evidence-based Network for the Interpretation of Germline Mutant Alleles (ENIGMA)
Classification: Pathogenic for Breast-ovarian cancer, familial, susceptibility to, 1. Last evaluated: 2016-09-08. Review status: reviewed by expert panel. Criteria: ENIGMA BRCA1/2 Classification Criteria (2015). Collection method: curation. Allele origin: germline.
Comment: Variant allele predicted to encode a truncated non-functional protein.

CeGaT Center for Human Genetics Tuebingen
Classification: Pathogenic. Last evaluated: 2026-02-01. Review status: criteria provided, single submitter. Criteria: CeGaT Center For Human Genetics Tuebingen Variant Classification Criteria Version 2. Collection method: clinical testing. Allele origin: germline. Affected: yes. Observed: 1 variant allele. Not counted in ClinVar's aggregate classification.
Comment: BRCA1: PVS1, PM2, PS4:Moderate

Variantyx, Inc.
Classification: Pathogenic for Breast-ovarian cancer, familial, susceptibility to, 1. Last evaluated: 2025-12-30. Review status: criteria provided, single submitter. Criteria: Variantyx Assertion Criteria 2022. Collection method: clinical testing. Allele origin: germline. Inheritance: Autosomal dominant inheritance. Not counted in ClinVar's aggregate classification.
Comment: This is a frameshift variant in the BRCA1 gene (OMIM: 113705). Pathogenic variants in this gene have been associated with autosomal dominant susceptibility to familial breast-ovarian cancer 1. This variant introduces a premature termination codon in exon 21 out of 23 and is expected to result in loss of function, which is a known disease mechanism for BRCA1 in this disorder (PMID: 20104584) (PVS1). This variant has been reported in multiple unrelated affected individuals (PMID: 11920621, 28664506, 32856862, 35205313) (PS4_Moderate), while it is absent from control populations (PM2). Based on the current evidence, this variant is classified as pathogenic for autosomal dominant susceptibility to familial breast-ovarian cancer 1.

Labcorp Genetics (formerly Invitae), Labcorp
Classification: Pathogenic for Hereditary breast ovarian cancer syndrome. Last evaluated: 2025-08-29. Review status: criteria provided, single submitter. Criteria: Invitae Variant Classification Sherloc (09022015). Collection method: clinical testing. Allele origin: germline. Not counted in ClinVar's aggregate classification.
Comment: This sequence change creates a premature translational stop signal (p.Gln1779Asnfs*14) in the BRCA1 gene. It is expected to result in an absent or disrupted protein product. Loss-of-function variants in BRCA1 are known to be pathogenic (PMID: 20104584). This variant is not present in population databases (gnomAD no frequency). This premature translational stop signal has been observed in individual(s) with breast and ovarian cancer (PMID: 11920621, 21324516, 26187060). This variant is also known as 5454delC. ClinVar contains an entry for this variant (Variation ID: 37657). For these reasons, this variant has been classified as Pathogenic.

Rady Children's Institute for Genomic Medicine, Rady Children's Hospital San Diego
Classification: Pathogenic for BRCA1-related disorders. Last evaluated: 2025-04-16. Review status: criteria provided, single submitter. Criteria: ACMG Guidelines, 2015. Collection method: clinical testing. Allele origin: germline. Affected: yes. Not counted in ClinVar's aggregate classification.
Comment: This variant results in a c.5335del (p.Gln1779fs) change in the MANE transcript (NM_007294.4) and is also known as "5454delC" by legacy nomenclature. This frameshifting variant in exon 22 of 24 is predicted to result in loss of normal protein function through either protein truncation or nonsense-mediated mRNA decay. Loss-of-function variation in BRCA1 is an established mechanism of disease (PMID: 32375709, 21989022, 11802209, 24312913). This variant has been previously reported as a heterozygous change in patients with breast and ovarian cancer patients (PMID: 11920621, 22277901, 20579331, 28664506, 29937436). The c.5398del (p.Gln1800AsnfsTer14) variant is absent from the latest version of the gnomAD population database and thus is presumed to be rare. Based on the available evidence, c.5398del (p.Gln1800AsnfsTer14) is classified as Pathogenic.

Revvity Omics, Revvity
Classification: Pathogenic. Last evaluated: 2025-03-01. Review status: criteria provided, single submitter. Criteria: ACMG Guidelines, 2015. Collection method: clinical testing. Allele origin: germline. Not counted in ClinVar's aggregate classification.

Ambry Genetics
Classification: Pathogenic for Hereditary cancer-predisposing syndrome. Last evaluated: 2024-11-15. Review status: criteria provided, single submitter. Criteria: Ambry Variant Classification Scheme 2023. Collection method: clinical testing. Allele origin: germline. Not counted in ClinVar's aggregate classification.
Comment: The c.5335delC pathogenic mutation, located in coding exon 20 of the BRCA1 gene, results from a deletion of one nucleotide at nucleotide position 5335, causing a translational frameshift with a predicted alternate stop codon (p.Q1779Nfs*14). This mutation has been reported in multiple breast and ovarian cancer patients (De Leon Matsuda ML et al. Int. J. Cancer. 2002 Apr;98:596-603; Kuo WH et al. J. Hum. Genet. 2012 Feb;57:130-8; Ibrahim SS et al. J. Exp. Clin. Cancer Res. 2010 Jun;29:82; Yang XR et al. Breast Cancer Res.Treat. 2017 Oct;165:687-697; Kwong A et al. Hong Kong Med J. 2018 06;24 Suppl 3(3):4-6). Of note, this alteration is also designated as 5454delC in published literature. In addition to the clinical data presented in the literature, this alteration is expected to result in loss of function by premature protein truncation or nonsense-mediated mRNA decay. As such, this alteration is interpreted as a disease-causing mutation.

Quest Diagnostics Nichols Institute San Juan Capistrano
Classification: Pathogenic. Last evaluated: 2023-06-06. Review status: criteria provided, single submitter. Criteria: Quest Diagnostics criteria. Collection method: clinical testing. Allele origin: unknown. Not counted in ClinVar's aggregate classification.
Comment: This variant alters the translational reading frame of the BRCA1 mRNA and causes the premature termination of BRCA1 protein synthesis. In the published literature, this variant has been reported in multiple individuals with breast or ovarian cancer (PMIDs: 32856862 (2020), 29937436 (2018), 28664506 (2017), 22277901 (2012), 20579331 (2012), 21324516 (2011), 11920621 (2002)). The frequency of this variant in the general population, 0.000004 (1/251422 chromosomes (Genome Aggregation Database)), is consistent with pathogenicity. Based on the available information, this variant is classified as pathogenic.

Blueprint Genetics
Classification: Pathogenic for BRCA1-related disorders. Last evaluated: 2023-04-20. Review status: criteria provided, single submitter. Criteria: ACMG Guidelines, 2015. Collection method: clinical testing. Allele origin: germline. Affected: yes. Observed: 1 variant allele. Not counted in ClinVar's aggregate classification.

GeneDx
Classification: Pathogenic. Last evaluated: 2023-02-02. Review status: criteria provided, single submitter. Criteria: GeneDx Variant Classification Process June 2021. Collection method: clinical testing. Allele origin: germline. Affected: yes. Not counted in ClinVar's aggregate classification.
Comment: Frameshift variant predicted to result in protein truncation or nonsense mediated decay in a gene for which loss of function is a known mechanism of disease; Published functional studies demonstrate a significant decrease of HDR activity (Lu et al., 2015); Truncating variants in this gene are considered pathogenic by a well-established clinical consortium and/or database; Not observed at significant frequency in large population cohorts (gnomAD); Also known as 5454delC; This variant is associated with the following publications: (PMID: 30702160, 29452958, 32856862, 11920621, 25814778, 21324516, 22277901, 20579331, 28918466, 26187060, 17591843, 16267036, 28664506, 29487695, 29937436, 29128982, 29625052, 31825140, 30787465, 31892343, 20104584, 35205313, 26689913)

Baylor Genetics
Classification: Pathogenic for Breast-ovarian cancer, familial, susceptibility to, 1. Last evaluated: 2023-01-17. Review status: criteria provided, single submitter. Criteria: ACMG Guidelines, 2015. Collection method: clinical testing. Allele origin: unknown. Not counted in ClinVar's aggregate classification.